The following is an entry in ClinVar:

NM_005876.5(SPEG):c.4931G>A (p.Arg1644Gln)

Gene: SPEG (striated muscle enriched protein kinase; plus strand). Cytogenetic location: 2q35.
Variant type: single nucleotide variant.
Coding change: c.4931G>A on transcript NM_005876.5 (MANE Select); coding-DNA position 4931, G replaced by A.
Protein change: p.Arg1644Gln; replaces arginine 1644 with glutamine.
Molecular consequence: missense variant.
Genome position (GRCh38, 1-based): chr2:219,478,009, G>A. VCF-style: chr2-219478009-G-A. GRCh37 (hg19) VCF-style: chr2-220342731-G-A.
Other names: c.4931G>A (NM_005876.4); short protein forms R1644Q.
Identifiers: ClinVar variation 1358672 (VCV001358672.5), dbSNP rs750341445, ClinGen allele CA2126677.

ClinVar aggregate classification (germline): Uncertain significance. Review status: criteria provided, multiple submitters, no conflicts (2 of 4 stars). 3 submissions from 3 submitters: Uncertain significance (3). Last evaluated 2024-09-26.

Conditions:
Inborn genetic diseases. Identifiers: MedGen C0950123, MeSH D030342.

Allele frequency attached by ClinVar (database versions not stated): ExAC 0.00002; TOPMed 0.00002; gnomAD 0.00004.
gnomAD v4.1: 32 of 1,614,054 alleles (0.002%); highest among the groups gnomAD compares: South Asian, 0.0033%; no homozygotes.

Submissions (3):

Ambry Genetics
Classification: Uncertain significance for Inborn genetic diseases. Last evaluated: 2024-09-26. Review status: criteria provided, single submitter. Criteria: Ambry Variant Classification Scheme 2023. Collection method: clinical testing. Allele origin: germline.

Labcorp Genetics (formerly Invitae), Labcorp
Classification: Uncertain significance. Last evaluated: 2022-05-06. Review status: criteria provided, single submitter. Criteria: Invitae Variant Classification Sherloc (09022015). Collection method: clinical testing. Allele origin: germline.
Comment: This sequence change replaces arginine, which is basic and polar, with glutamine, which is neutral and polar, at codon 1644 of the SPEG protein (p.Arg1644Gln). This variant is present in population databases (rs750341445, gnomAD 0.002%). This variant has not been reported in the literature in individuals affected with SPEG-related conditions. Algorithms developed to predict the effect of missense changes on protein structure and function are either unavailable or do not agree on the potential impact of this missense change (SIFT: "Deleterious"; PolyPhen-2: "Probably Damaging"; Align-GVGD: "Class C0"). In summary, the available evidence is currently insufficient to determine the role of this variant in disease. Therefore, it has been classified as a Variant of Uncertain Significance.

Blueprint Genetics
Classification: Uncertain significance. Last evaluated: 2021-12-22. Review status: criteria provided, single submitter. Criteria: ACMG Guidelines, 2015. Collection method: clinical testing. Allele origin: germline.